The following is an entry in ClinVar:

ClinVar aggregate classification (germline): Uncertain significance. Review status: criteria provided, multiple submitters, no conflicts (2 of 4 stars). 2 submissions from 2 submitters: Uncertain significance (2). Last evaluated 2025-12-09.

Allele frequency attached by ClinVar (database versions not stated): gnomAD 0.00009; gnomAD exomes 0.00008; TOPMed 0.00014; ExAC 0.00017; ESP Exome Variant Server 0.00008.
gnomAD v4.1: 131 of 1,592,936 alleles (0.0082%); highest among the groups gnomAD compares: Middle Eastern, 0.067%; no homozygotes.

Submissions (2):

Ambry Genetics
Classification: Uncertain significance. Last evaluated: 2025-12-09. Review status: criteria provided, single submitter. Criteria: Ambry Variant Classification Scheme 2023. Collection method: clinical testing. Allele origin: germline.

Labcorp Genetics (formerly Invitae), Labcorp
Classification: Uncertain significance. Last evaluated: 2025-07-28. Review status: criteria provided, single submitter. Criteria: Invitae Variant Classification Sherloc (09022015). Collection method: clinical testing. Allele origin: germline.
Comment: This sequence change replaces arginine, which is basic and polar, with histidine, which is basic and polar, at codon 250 of the TNFRSF6B protein (p.Arg250His). This variant is present in population databases (rs377030676, gnomAD 0.03%). This variant has not been reported in the literature in individuals affected with TNFRSF6B-related conditions. ClinVar contains an entry for this variant (Variation ID: 2894297). An algorithm developed to predict the effect of missense changes on protein structure and function (PolyPhen-2) suggests that this variant is likely to be disruptive. In summary, the available evidence is currently insufficient to determine the role of this variant in disease. Therefore, it has been classified as a Variant of Uncertain Significance.

NM_003823.4(TNFRSF6B):c.749G>A (p.Arg250His)

Genes: RTEL1-TNFRSF6B (RTEL1-TNFRSF6B readthrough (NMD candidate); plus strand), TNFRSF6B (TNF receptor superfamily member 6b; plus strand). Cytogenetic location: 20q13.33.
Variant type: single nucleotide variant.
Coding change: c.749G>A on transcript NM_003823.4 (MANE Select); coding-DNA position 749, G replaced by A.
Protein change: p.Arg250His; replaces arginine 250 with histidine.
Molecular consequence: missense variant. On other transcripts: non-coding transcript variant (1).
Genome position (GRCh38, 1-based): chr20:63,698,409, G>A. VCF-style: chr20-63698409-G-A. GRCh37 (hg19) VCF-style: chr20-62329762-G-A.
Other names: short protein forms R250H.
Identifiers: ClinVar variation 2894297 (VCV002894297.5), dbSNP rs377030676, ClinGen allele CA9966591.